The following is an entry in ClinVar:

ClinVar aggregate classification (germline): Uncertain significance (1 of 4 stars; one submission).

Submission:

Labcorp Genetics (formerly Invitae), Labcorp
Classification: Uncertain significance. Last evaluated: 2024-02-17. Review status: criteria provided, single submitter. Criteria: Invitae Variant Classification Sherloc (09022015). Collection method: clinical testing. Allele origin: germline.
Comment: This sequence change replaces alanine, which is neutral and non-polar, with leucine, which is neutral and non-polar, at codon 10 of the RNF113A protein (p.Ala10Leu). Information on the frequency of this variant in the gnomAD database is not available, as this variant may be reported differently in the database. This variant has not been reported in the literature in individuals affected with RNF113A-related conditions. ClinVar contains an entry for this variant (Variation ID: 2122733). An algorithm developed to predict the effect of missense changes on protein structure and function (PolyPhen-2) suggests that this variant is likely to be tolerated. In summary, the available evidence is currently insufficient to determine the role of this variant in disease. Therefore, it has been classified as a Variant of Uncertain Significance.

NM_006978.3(RNF113A):c.28_29delinsCT (p.Ala10Leu)

Genes: RNF113A (ring finger protein 113A; minus strand), LOC130068621 (ATAC-STARR-seq lymphoblastoid active region 29902; plus strand). Cytogenetic location: Xq24.
Variant type: Indel.
Coding change: c.28_29delinsCT on transcript NM_006978.3 (MANE Select); coding-DNA positions 28 to 29, GC replaced by CT.
Protein change: p.Ala10Leu; replaces alanine 10 with leucine.
Molecular consequence: missense variant.
Genome position (GRCh38, 1-based): chrX:119,871,585-119,871,586, GC replaced by AG on the plus strand (GC replaced by CT on the coding strand, the reverse complement: RNF113A is on the minus strand). VCF-style: chrX-119871585-GC-AG. GRCh37 (hg19) VCF-style: chrX-119005548-GC-AG.
Other names: short protein forms A10L.
Identifiers: ClinVar variation 2122733 (VCV002122733.4), dbSNP rs2521609257, ClinGen allele CA2580100261.